The following is an entry in ClinVar:

NM_007254.4(PNKP):c.1247G>A (p.Gly416Glu)

Gene: PNKP (polynucleotide kinase 3'-phosphatase; minus strand). Cytogenetic location: 19q13.33.
Variant type: single nucleotide variant.
Coding change: c.1247G>A on transcript NM_007254.4 (MANE Select); coding-DNA position 1247, G replaced by A.
Protein change: p.Gly416Glu; replaces glycine 416 with glutamic acid.
Molecular consequence: missense variant.
Genome position (GRCh38, 1-based): chr19:49,861,823, C>T on the plus strand (G>A on the coding strand, the complement: PNKP is on the minus strand). VCF-style: chr19-49861823-C-T. GRCh37 (hg19) VCF-style: chr19-50365080-C-T.
Other names: short protein forms G416E.
Identifiers: ClinVar variation 968817 (VCV000968817.7), dbSNP rs1198936842, ClinGen allele CA406933510.

ClinVar aggregate classification (germline): Uncertain significance (1 of 4 stars; one submission).

Conditions:
Developmental and epileptic encephalopathy, 12 (DEE12). Identifiers: MedGen C3150988, MONDO:0013389, OMIM 613722.

Allele frequency attached by ClinVar (database versions not stated): gnomAD 0.00001; gnomAD exomes 0.00001; TOPMed 0.00002.
gnomAD v4.1: 10 of 1,589,844 alleles (0.00063%); highest among the groups gnomAD compares: Non-Finnish European, 0.00085%; no homozygotes.

Submission:

Labcorp Genetics (formerly Invitae), Labcorp
Classification: Uncertain significance for Developmental and epileptic encephalopathy, 12. Last evaluated: 2021-08-26. Review status: criteria provided, single submitter. Criteria: Invitae Variant Classification Sherloc (09022015). Collection method: clinical testing. Allele origin: germline.
Comment: This sequence change replaces glycine with glutamic acid at codon 416 of the PNKP protein (p.Gly416Glu). The glycine residue is moderately conserved and there is a moderate physicochemical difference between glycine and glutamic acid. This variant is not present in population databases (ExAC no frequency). This variant has not been reported in the literature in individuals affected with PNKP-related conditions. Algorithms developed to predict the effect of missense changes on protein structure and function are either unavailable or do not agree on the potential impact of this missense change (SIFT: "Tolerated"; PolyPhen-2: "Probably Damaging"; Align-GVGD: "Class C0"). In summary, the available evidence is currently insufficient to determine the role of this variant in disease. Therefore, it has been classified as a Variant of Uncertain Significance.